The following is an entry in ClinVar:

NM_000540.3(RYR1):c.11516G>C (p.Ser3839Thr)

Gene: RYR1 (ryanodine receptor 1; plus strand). Cytogenetic location: 19q13.2.
Variant type: single nucleotide variant.
Coding change: c.11516G>C on transcript NM_000540.3 (MANE Select); coding-DNA position 11516, G replaced by C.
Protein change: p.Ser3839Thr; replaces serine 3839 with threonine.
Molecular consequence: missense variant.
Genome position (GRCh38, 1-based): chr19:38,535,392, G>C. VCF-style: chr19-38535392-G-C. GRCh37 (hg19) VCF-style: chr19-39026032-G-C.
Other names: c.11501G>C, p.Ser3834Thr (NM_001042723.2); short protein forms S3834T, S3839T.
Identifiers: ClinVar variation 970867 (VCV000970867.13), dbSNP rs573322113, ClinGen allele CA308085896.

ClinVar aggregate classification (germline): Uncertain significance. Review status: criteria provided, multiple submitters, no conflicts (2 of 4 stars). 3 submissions from 3 submitters: Uncertain significance (3). Last evaluated 2023-10-02.

Conditions:
Malignant hyperthermia, susceptibility to, 1 (MHS1). Also called: Anesthesia related hyperthermia; Malignant hyperpyrexia; Fulminating hyperpyrexia; Pharmacogenic myopathy; Malignant hyperthermia suceptibility 1; RYR1-Related Malignant Hyperthermia Susceptibility. Identifiers: Orphanet 423, MedGen C2930980, MONDO:0007783, OMIM 145600.
RYR1-related disorder. Also called: RYR1-related disorders; RYR1-related condition. Identifiers: MedGen CN239331.

Submissions (3):

All of Us Research Program, National Institutes of Health
Classification: Uncertain significance for Malignant hyperthermia, susceptibility to, 1. Last evaluated: 2023-10-02. Review status: criteria provided, single submitter. Criteria: ACMG Guidelines, 2015. Collection method: clinical testing. Allele origin: germline. Inheritance: Autosomal dominant inheritance. Observed: 1 variant allele, 1 heterozygote.
Comment: This missense variant replaces serine with threonine at codon 3839 of the RYR1 protein. Computational prediction is inconclusive regarding the impact of this variant on protein structure and function (internally defined REVEL score threshold 0.5 < inconclusive < 0.7, PMID: 27666373). To our knowledge, functional studies have not been reported for this variant. This variant has not been reported in individuals affected with RYR1-related disorders in the literature. This variant has not been identified in the general population by the Genome Aggregation Database (gnomAD). The available evidence is insufficient to determine the role of this variant in disease conclusively. Therefore, this variant is classified as a Variant of Uncertain Significance.

This study involves interpretation of variants in research participants for the purpose of population health screening. Participant phenotype was not available at the time of variant classification. Additional details can be found in publication PMID: 35346344, PMCID: PMC8962531

Revvity Omics, Revvity
Classification: Uncertain significance. Last evaluated: 2021-07-14. Review status: criteria provided, single submitter. Criteria: ACMG Guidelines, 2015. Collection method: clinical testing. Allele origin: germline.

Labcorp Genetics (formerly Invitae), Labcorp
Classification: Uncertain significance for RYR1-related disorder. Last evaluated: 2019-11-02. Review status: criteria provided, single submitter. Criteria: Invitae Variant Classification Sherloc (09022015). Collection method: clinical testing. Allele origin: germline.
Comment: In summary, the available evidence is currently insufficient to determine the role of this variant in disease. Therefore, it has been classified as a Variant of Uncertain Significance. Nucleotide substitutions within the consensus splice site are a relatively common cause of aberrant splicing (PMID: 17576681, 9536098). Algorithms developed to predict the effect of sequence changes on RNA splicing suggest that this variant may disrupt the consensus splice site, but this prediction has not been confirmed by published transcriptional studies. Algorithms developed to predict the effect of missense changes on protein structure and function (SIFT, PolyPhen-2, Align-GVGD) all suggest that this variant is likely to be tolerated, but these predictions have not been confirmed by published functional studies and their clinical significance is uncertain. This variant has not been reported in the literature in individuals with RYR1-related conditions. This variant is not present in population databases (ExAC no frequency). This sequence change replaces serine with threonine at codon 3839 of the RYR1 protein (p.Ser3839Thr). The serine residue is moderately conserved and there is a small physicochemical difference between serine and threonine. This variant also falls at the last nucleotide of exon 81 of the RYR1 coding sequence, which is part of the consensus splice site for this exon.

Literature cited by the submitters: PubMed 17576681 (cited by Labcorp Genetics (formerly Invitae), Labcorp); PubMed 9536098 (cited by Labcorp Genetics (formerly Invitae), Labcorp).